The following is an entry in ClinVar:

NM_015346.4(ZFYVE26):c.4283G>T (p.Arg1428Leu)

Gene: ZFYVE26 (zinc finger FYVE-type containing 26; minus strand). Cytogenetic location: 14q24.1.
Variant type: single nucleotide variant.
Coding change: c.4283G>T on transcript NM_015346.4 (MANE Select); coding-DNA position 4283, G replaced by T.
Protein change: p.Arg1428Leu; replaces arginine 1428 with leucine.
Molecular consequence: missense variant.
Genome position (GRCh38, 1-based): chr14:67,782,869, C>A on the plus strand (G>T on the coding strand, the complement: ZFYVE26 is on the minus strand). VCF-style: chr14-67782869-C-A. GRCh37 (hg19) VCF-style: chr14-68249586-C-A.
Other names: short protein forms R1428L.
Identifiers: ClinVar variation 1351611 (VCV001351611.8), dbSNP rs371511765, ClinGen allele CA390170275.
Genomic context (GRCh38, chr14:67,782,869, plus strand): 5'-TCCTTTATGCTGCTCAAATCGTCCACATCTCGCCCGTACACTTCAGTGAGCTGAAGGGCC[C>A]GGGACCAATCTCTGGCCACCAAGGATTCCTCAAAAGCCTCACTCAGTACATCTAGGGCAA-3'
Protein context (NP_056161.2, residues 1418-1438): EESLVARDWS[Arg1428Leu]ALQLTEVYGR

ClinVar aggregate classification (germline): Uncertain significance (1 of 4 stars; one submission).

Conditions:
Spastic paraplegia. Identifiers: MedGen C0037772, HP:0001258.

gnomAD v4.1: 3 of 1,614,200 alleles (0.00019%); highest among the groups gnomAD compares: Non-Finnish European, 0.00017%; no homozygotes.

Submission:

Labcorp Genetics (formerly Invitae), Labcorp
Classification: Uncertain significance for Spastic paraplegia. Last evaluated: 2025-06-09. Review status: criteria provided, single submitter. Criteria: Invitae Variant Classification Sherloc (09022015). Collection method: clinical testing. Allele origin: germline.
Comment: This sequence change replaces arginine, which is basic and polar, with leucine, which is neutral and non-polar, at codon 1428 of the ZFYVE26 protein (p.Arg1428Leu). This variant is not present in population databases (gnomAD no frequency). This variant has not been reported in the literature in individuals affected with ZFYVE26-related conditions. ClinVar contains an entry for this variant (Variation ID: 1351611). An algorithm developed to predict the effect of missense changes on protein structure and function (PolyPhen-2) suggests that this variant is likely to be tolerated. In summary, the available evidence is currently insufficient to determine the role of this variant in disease. Therefore, it has been classified as a Variant of Uncertain Significance.